The following is an entry in ClinVar:

NM_002227.4(JAK1):c.3225G>T (p.Leu1075=)

Gene: JAK1 (Janus kinase 1; minus strand). Cytogenetic location: 1p31.3.
Variant type: single nucleotide variant.
Coding change: c.3225G>T on transcript NM_002227.4 (MANE Select); coding-DNA position 3225, G replaced by T.
Protein change: p.Leu1075=; no amino-acid change (leucine 1075 retained).
Molecular consequence: synonymous variant.
Genome position (GRCh38, 1-based): chr1:64,836,131, C>A on the plus strand (G>T on the coding strand, the complement: JAK1 is on the minus strand). VCF-style: chr1-64836131-C-A. GRCh37 (hg19) VCF-style: chr1-65301814-C-A.
Other names: c.3225G>T, p.Leu1075= (NM_001320923.2, NM_001321852.2, NM_001321853.2 and 3 more transcripts); c.3222G>T, p.Leu1074= (NM_001321857.2).
Identifiers: ClinVar variation 2031499 (VCV002031499.4), dbSNP rs2523977784, ClinGen allele CA418214187.
Genomic context (GRCh38, chr1:64,836,131, plus strand): 5'-TCAAATGAAGAGAAAAGTAGGACTTACAGCCATGGGACTAGAATCTGAATCACAGTAAGT[C>A]AGCAGCTCATGCAGAGTGACTCCAAAAGACCAGACGTCAGAGGCAATATAAAATTTAGAT-3'
Protein context (NP_002218.2, residues 1065-1085): WSFGVTLHEL[Leu1075=]TYCDSDSSPM

ClinVar aggregate classification (germline): Uncertain significance (1 of 4 stars; one submission).

Submission:

Labcorp Genetics (formerly Invitae), Labcorp
Classification: Uncertain significance. Last evaluated: 2022-09-20. Review status: criteria provided, single submitter. Criteria: Invitae Variant Classification Sherloc (09022015). Collection method: clinical testing. Allele origin: germline.
Comment: In summary, the available evidence is currently insufficient to determine the role of this variant in disease. Therefore, it has been classified as a Variant of Uncertain Significance. Algorithms developed to predict the effect of sequence changes on RNA splicing suggest that this variant may disrupt the consensus splice site. This variant has not been reported in the literature in individuals affected with JAK1-related conditions. This variant is not present in population databases (gnomAD no frequency). This sequence change affects codon 1075 of the JAK1 mRNA. It is a 'silent' change, meaning that it does not change the encoded amino acid sequence of the JAK1 protein.